The following is an entry in ClinVar:

NM_001018115.3(FANCD2):c.3777+3_3777+6del

Genes: FANCD2 (FA complementation group D2; plus strand), FANCD2OS (FANCD2 opposite strand; minus strand). Cytogenetic location: 3p25.3.
Variant type: Deletion.
Coding change: c.3777+3_3777+6del on transcript NM_001018115.3 (MANE Select); bases 3 to 6 of the intron after coding-DNA position 3777, 4 bases deleted (GAGT; older notation c.3777+3_3777+6delGAGT).
Molecular consequence: splice donor variant. On other transcripts: intron variant (1).
Genome position (GRCh38, 1-based): chr3:10,090,388-10,090,391, GAGT deleted; deleting any 4 consecutive bases within chr3:10,090,386-10,090,391 gives the same sequence; the c. name uses the placement nearest the transcript's 3' end. VCF-style (leftmost placement, unchanged base first): chr3-10090385-GGTGA-G. GRCh37 (hg19) VCF-style: chr3-10132069-GGTGA-G.
Other names: c.3777+3_3777+6del (NM_001319984.2, NM_033084.6, NM_001374254.1); c.3666+3_3666+6del (NM_001374253.1); c.*44-8858_*44-8855del (NM_173472.2).
Identifiers: ClinVar variation 3616102 (VCV003616102.2).

ClinVar aggregate classification (germline): Uncertain significance (1 of 4 stars; one submission).

Conditions:
Fanconi anemia (FA). Also called: Fanconi's anemia. Identifiers: Orphanet 84, MedGen C0015625, MeSH D005199, MONDO:0019391.

Submission:

Labcorp Genetics (formerly Invitae), Labcorp
Classification: Uncertain significance for Fanconi anemia. Last evaluated: 2025-04-14. Review status: criteria provided, single submitter. Criteria: Invitae Variant Classification Sherloc (09022015). Collection method: clinical testing. Allele origin: germline.
Comment: This sequence change falls in intron 37 of the FANCD2 gene. It does not directly change the encoded amino acid sequence of the FANCD2 protein. It affects a nucleotide within the consensus splice site. This variant is present in population databases (rs771721585, gnomAD 0.007%). This variant has not been reported in the literature in individuals affected with FANCD2-related conditions. ClinVar contains an entry for this variant (Variation ID: 3616102). Variants that disrupt the consensus splice site are a relatively common cause of aberrant splicing (PMID: 17576681, 9536098). Algorithms developed to predict the effect of sequence changes on RNA splicing suggest that this variant is not likely to affect RNA splicing. In summary, the available evidence is currently insufficient to determine the role of this variant in disease. Therefore, it has been classified as a Variant of Uncertain Significance.

Literature cited by the submitters: PubMed 17576681; PubMed 9536098.